The following is an entry in ClinVar:

NM_001040108.2(MLH3):c.2000G>A (p.Gly667Asp)

Gene: MLH3 (mutL homolog 3; minus strand). Cytogenetic location: 14q24.3.
Variant type: single nucleotide variant.
Coding change: c.2000G>A on transcript NM_001040108.2 (MANE Select); coding-DNA position 2000, G replaced by A.
Protein change: p.Gly667Asp; replaces glycine 667 with aspartic acid.
Molecular consequence: missense variant.
Genome position (GRCh38, 1-based): chr14:75,047,656, C>T on the plus strand (G>A on the coding strand, the complement: MLH3 is on the minus strand). VCF-style: chr14-75047656-C-T. GRCh37 (hg19) VCF-style: chr14-75514359-C-T.
Other names: c.2000G>A, p.Gly667Asp (NM_014381.3); short protein forms G667D.
Identifiers: ClinVar variation 4860185 (VCV004860185.1).
Genomic context (GRCh38, chr14:75,047,656, plus strand): 5'-GGTTCATTCTCTAGCCCATAACTTATATTCGTTCTGCAATTTTTTTTGTTGGGCAATTGA[C>T]CAGATTCTTTACTTAAAGTGCTGGCTAAATCTTTGATGTCTGGAGTTTCAACTGAATGAC-3'
Protein context (NP_001035197.1, residues 657-677): DLASTLSKES[Gly667Asp]QLPNKKNCRT

ClinVar aggregate classification (germline): Uncertain significance (1 of 4 stars; one submission).

gnomAD v4.1: 2 of 1,613,952 alleles (0.00012%); highest among the groups gnomAD compares: Non-Finnish European, 0.00017%; no homozygotes.

Submission:

Ambry Genetics
Classification: Uncertain significance. Last evaluated: 2026-04-20. Review status: criteria provided, single submitter. Criteria: Ambry Variant Classification Scheme 2023. Collection method: clinical testing. Allele origin: germline.
Comment: The p.G667D variant (also known as c.2000G>A), located in coding exon 1 of the MLH3 gene, results from a G to A substitution at nucleotide position 2000. The glycine at codon 667 is replaced by aspartic acid, an amino acid with similar properties. This amino acid position is conserved. In addition, this alteration is predicted to be tolerated by in silico analysis. Based on the available evidence, the clinical significance of this variant remains unclear.